The following is an entry in ClinVar:

ClinVar aggregate classification (germline): Uncertain significance (1 of 4 stars; one submission).

Conditions:
Epilepsy, idiopathic generalized, susceptibility to, 13. Also called: EPILEPSY, JUVENILE MYOCLONIC, SUSCEPTIBILITY TO, 5. Identifiers: Orphanet 307, Orphanet 64280, MedGen C4013473, MONDO:0012627, OMIM 611136.
Epilepsy, childhood absence 4 (ECA4). Also called: EPILEPSY, CHILDHOOD ABSENCE, SUSCEPTIBILITY TO, 4. Identifiers: Orphanet 307, MedGen C1970160.
Idiopathic generalized epilepsy. Also called: EIG; Generalised epilepsy. Identifiers: MedGen C0270850, MONDO:0005579, OMIM 600669.

Submission:

Labcorp Genetics (formerly Invitae), Labcorp
Classification: Uncertain significance for Epilepsy, childhood absence 4; Epilepsy, idiopathic generalized, susceptibility to, 13; Idiopathic generalized epilepsy. Last evaluated: 2024-03-19. Review status: criteria provided, single submitter. Criteria: Invitae Variant Classification Sherloc (09022015). Collection method: clinical testing. Allele origin: germline.
Comment: This sequence change replaces isoleucine, which is neutral and non-polar, with threonine, which is neutral and polar, at codon 148 of the GABRA1 protein (p.Ile148Thr). This variant is not present in population databases (gnomAD no frequency). This variant has not been reported in the literature in individuals affected with GABRA1-related conditions. Advanced modeling of protein sequence and biophysical properties (such as structural, functional, and spatial information, amino acid conservation, physicochemical variation, residue mobility, and thermodynamic stability) performed at Invitae indicates that this missense variant is expected to disrupt GABRA1 protein function with a positive predictive value of 95%. In summary, the available evidence is currently insufficient to determine the role of this variant in disease. Therefore, it has been classified as a Variant of Uncertain Significance.

NM_001127644.2(GABRA1):c.443T>C (p.Ile148Thr)

Gene: GABRA1 (gamma-aminobutyric acid type A receptor subunit alpha1; plus strand). Cytogenetic location: 5q34.
Variant type: single nucleotide variant.
Coding change: c.443T>C on transcript NM_001127644.2 (MANE Select); coding-DNA position 443, T replaced by C.
Protein change: p.Ile148Thr; replaces isoleucine 148 with threonine.
Molecular consequence: missense variant.
Genome position (GRCh38, 1-based): chr5:161,873,304, T>C. VCF-style: chr5-161873304-T-C. GRCh37 (hg19) VCF-style: chr5-161300310-T-C.
Other names: c.443T>C, p.Ile148Thr (NM_000806.5, NM_001127643.2, NM_001127645.2 and 1 more transcripts); short protein forms I148T.
Identifiers: ClinVar variation 3753869 (VCV003753869.2).